The following is an entry in ClinVar:

NM_001364905.1(LRBA):c.5580+1G>A

Gene: LRBA (LPS responsive beige-like anchor protein; minus strand). Cytogenetic location: 4q31.3.
Variant type: single nucleotide variant.
Coding change: c.5580+1G>A on transcript NM_001364905.1 (MANE Select); the canonical splice donor site of the intron after coding-DNA position 5580, G replaced by A.
Molecular consequence: splice donor variant.
Genome position (GRCh38, 1-based): chr4:150,798,080, C>T on the plus strand (G>A on the coding strand, the complement: LRBA is on the minus strand). VCF-style: chr4-150798080-C-T. GRCh37 (hg19) VCF-style: chr4-151719232-C-T.
Other names: c.5580+1G>A (NM_001367550.1, NM_006726.5, NM_001199282.3 and 2 more transcripts).
Identifiers: ClinVar variation 3382546 (VCV003382546.2).

ClinVar aggregate classification (germline): Pathogenic (1 of 4 stars; one submission).

Conditions:
Combined immunodeficiency due to LRBA deficiency. Also called: Common variable immunodeficiency 8, with autoimmunity. Identifiers: Orphanet 445018, MedGen C3553512, MONDO:0013863, OMIM 614700.

Submission:

Juno Genomics, Hangzhou Juno Genomics, Inc
Classification: Pathogenic for Combined immunodeficiency due to LRBA deficiency. Review status: criteria provided, single submitter. Criteria: ACMG Guidelines, 2015. Collection method: clinical testing. Allele origin: germline. Affected: yes.
Comment: Null variant in a gene where loss of function (LOF) is a known mechanism of disease.;Absent from controls (or at extremely low frequency if recessive) in Genome Aggregation Database, Exome Sequencing Project, 1000 Genomes Project, or Exome Aggregation Consortium.;Patient's phenotype or family history is highly specific for a disease with a single genetic etiology.